The following is an entry in ClinVar:

ClinVar aggregate classification (germline): Benign (1 of 4 stars; one submission).

Allele frequency attached by ClinVar (database versions not stated): 1000 Genomes Project 0.04233; 1000 Genomes Project 30x 0.04544; gnomAD 0.05449 and 0.05621; TOPMed 0.05729.
gnomAD v4.1: 8,271 of 152,246 alleles (5.4%); highest among the groups gnomAD compares: Middle Eastern, 12%; 262 homozygotes.

Submission:

GeneDx
Classification: Benign. Last evaluated: 2018-06-16. Review status: criteria provided, single submitter. Criteria: GeneDx Variant Classification (06012015). Collection method: clinical testing. Allele origin: germline. Affected: yes.
Comment: This variant is considered likely benign or benign based on one or more of the following criteria: it is a conservative change, it occurs at a poorly conserved position in the protein, it is predicted to be benign by multiple in silico algorithms, and/or has population frequency not consistent with disease.

NM_001151.4(SLC25A4):c.112-267T>C

Gene: SLC25A4 (solute carrier family 25 member 4; plus strand). Cytogenetic location: 4q35.1.
Variant type: single nucleotide variant.
Coding change: c.112-267T>C on transcript NM_001151.4 (MANE Select); 267 bases into the intron before coding-DNA position 112, T replaced by C.
Molecular consequence: intron variant.
Genome position (GRCh38, 1-based): chr4:185,144,497, T>C. VCF-style: chr4-185144497-T-C. GRCh37 (hg19) VCF-style: chr4-186065651-T-C.
Identifiers: ClinVar variation 673364 (VCV000673364.1), dbSNP rs58125808, ClinGen allele CA112005283.